The following is an entry in ClinVar:

NM_004565.3(PEX14):c.475G>A (p.Val159Met)

Gene: PEX14 (peroxisomal biogenesis factor 14; plus strand). Cytogenetic location: 1p36.22.
Variant type: single nucleotide variant.
Coding change: c.475G>A on transcript NM_004565.3 (MANE Select); coding-DNA position 475, G replaced by A.
Protein change: p.Val159Met; replaces valine 159 with methionine.
Molecular consequence: missense variant.
Genome position (GRCh38, 1-based): chr1:10,623,109, G>A. VCF-style: chr1-10623109-G-A. GRCh37 (hg19) VCF-style: chr1-10683166-G-A.
Other names: p.Val159Met; short protein forms V159M.
Identifiers: ClinVar variation 291677 (VCV000291677.20), dbSNP rs74052157, ClinGen allele CA583856.

ClinVar aggregate classification (germline): Benign. Review status: criteria provided, multiple submitters, no conflicts (2 of 4 stars). 6 submissions from 6 submitters: Benign (6). Last evaluated 2026-02-04.

Conditions:
Peroxisome biogenesis disorder, complementation group K (CGK). Identifiers: MedGen C1866257, MONDO:0800365.
Peroxisome biogenesis disorder 13A (Zellweger). Also called: Peroxisome biogenesis disorder 13A. Identifiers: Orphanet 912, MedGen C3554004, MONDO:0013952, OMIM 614887.

Allele frequency attached by ClinVar (database versions not stated): gnomAD exomes 0.00215 and 0.00577; ExAC 0.00749; gnomAD 0.02226 and 0.02375; TOPMed 0.02504; ESP Exome Variant Server 0.02583; 1000 Genomes Project 0.02975; 1000 Genomes Project 30x 0.03061.
gnomAD v4.1: 6,652 of 1,612,464 alleles (0.41%); highest among the groups gnomAD compares: African/African-American, 7.7%; 224 homozygotes.

Submissions (6):

Labcorp Genetics (formerly Invitae), Labcorp
Classification: Benign for Peroxisome biogenesis disorder, complementation group K. Last evaluated: 2026-02-04. Review status: criteria provided, single submitter. Criteria: Invitae Variant Classification Sherloc (09022015). Collection method: clinical testing. Allele origin: germline.

Mayo Clinic Laboratories, Mayo Clinic
Classification: Benign. Last evaluated: 2024-10-14. Review status: criteria provided, single submitter. Criteria: ACMG Guidelines, 2015. Collection method: clinical testing. Allele origin: germline. Observed: 22 variant alleles.

ARUP Laboratories, Molecular Genetics and Genomics, ARUP Laboratories
Classification: Benign for Peroxisome biogenesis disorder 13A (Zellweger). Last evaluated: 2023-11-06. Review status: criteria provided, single submitter. Criteria: ARUP Molecular Germline Variant Investigation Process 2024. Collection method: clinical testing. Allele origin: germline.

GeneDx
Classification: Benign. Last evaluated: 2019-03-24. Review status: criteria provided, single submitter. Criteria: GeneDx Variant Classification Process June 2021. Collection method: clinical testing. Allele origin: germline. Affected: yes.

Illumina Laboratory Services, Illumina
Classification: Benign for Peroxisome biogenesis disorder 13A (Zellweger). Last evaluated: 2018-01-13. Review status: criteria provided, single submitter. Criteria: ICSL Variant Classification Criteria 13 December 2019. Collection method: clinical testing. Allele origin: germline.
Comment: This variant was observed in the ICSL laboratory as part of a predisposition screen in an ostensibly healthy population. It had not been previously curated by ICSL or reported in the Human Gene Mutation Database (HGMD: prior to June 1st, 2018), and was therefore a candidate for classification through an automated scoring system. Utilizing variant allele frequency, disease prevalence and penetrance estimates, and inheritance mode, an automated score was calculated to assess if this variant is too frequent to cause the disease. Based on the score and internal cut-off values, a variant classified as benign is not then subjected to further curation. The score for this variant resulted in a classification of benign for this disease.

Breakthrough Genomics
Classification: Benign. Review status: criteria provided, single submitter. Criteria: ACMG Guidelines, 2015. Collection method: not provided. Allele origin: germline. Inheritance: Autosomal recessive inheritance. Affected: yes.